The following is an entry in ClinVar:

ClinVar aggregate classification (germline): Uncertain significance (1 of 4 stars; one submission).

Conditions:
Nemaline myopathy 2 (NEM2). Also called: Nemaline myopathy 2, autosomal recessive. Identifiers: MedGen C1850569, MONDO:0009725, OMIM 256030.

Allele frequency attached by ClinVar (database versions not stated): gnomAD exomes below 0.00001 and 0.00001; gnomAD 0.00001; ExAC 0.00002; 1000 Genomes Project 30x 0.00016; 1000 Genomes Project 0.00020.
gnomAD v4.1: 3 of 1,564,218 alleles (0.00019%); highest among the groups gnomAD compares: Admixed American, 0.005%; no homozygotes.

Submission:

Labcorp Genetics (formerly Invitae), Labcorp
Classification: Uncertain significance for Nemaline myopathy 2. Last evaluated: 2022-08-16. Review status: criteria provided, single submitter. Criteria: Invitae Variant Classification Sherloc (09022015). Collection method: clinical testing. Allele origin: germline.
Comment: This sequence change falls in intron 107 of the NEB gene. It does not directly change the encoded amino acid sequence of the NEB protein. It affects a nucleotide within the consensus splice site. This variant is present in population databases (rs200059848, gnomAD 0.009%). This variant has not been reported in the literature in individuals affected with NEB-related conditions. ClinVar contains an entry for this variant (Variation ID: 952568). Variants that disrupt the consensus splice site are a relatively common cause of aberrant splicing (PMID: 17576681, 9536098). Algorithms developed to predict the effect of sequence changes on RNA splicing suggest that this variant is not likely to affect RNA splicing. In summary, the available evidence is currently insufficient to determine the role of this variant in disease. Therefore, it has been classified as a Variant of Uncertain Significance.

Literature cited by the submitters: PubMed 17576681; PubMed 9536098.

NM_001164508.2(NEB):c.17013+3A>G

Gene: NEB (nebulin; minus strand). Cytogenetic location: 2q23.3.
Variant type: single nucleotide variant.
Coding change: c.17013+3A>G on transcript NM_001164508.2 (MANE Select); 3 bases into the intron after coding-DNA position 17013, A replaced by G.
Molecular consequence: intron variant.
Genome position (GRCh38, 1-based): chr2:151,575,692, T>C on the plus strand (A>G on the coding strand, the complement: NEB is on the minus strand). VCF-style: chr2-151575692-T-C. GRCh37 (hg19) VCF-style: chr2-152432206-T-C.
Other names: c.11910+3A>G (NM_004543.5); c.17013+3A>G (NM_001164507.2, NM_001271208.2).
Identifiers: ClinVar variation 952568 (VCV000952568.5), dbSNP rs200059848, ClinGen allele CA1908327.